The following is an entry in ClinVar:

ClinVar aggregate classification (germline): Pathogenic (1 of 4 stars; one submission).

Conditions:
Breast-ovarian cancer, familial, susceptibility to, 2 (BROVCA2). Also called: BRCA2 Hereditary Breast and Ovarian Cancer. Identifiers: Orphanet 145, MedGen C2675520, MONDO:0012933, OMIM 612555. Disease mechanism: loss of function.

Submission:

Myriad Genetics, Inc.
Classification: Pathogenic for Breast-ovarian cancer, familial, susceptibility to, 2. Last evaluated: 2025-11-18. Review status: criteria provided, single submitter. Criteria: Myriad Autosomal Dominant, Autosomal Recessive and X-Linked Classification Criteria (2023). Collection method: clinical testing. Allele origin: unknown.
Comment: This variant is considered pathogenic. This variant creates a frameshift predicted to result in premature protein truncation.

NM_000059.4(BRCA2):c.6914del (p.Lys2305fs)

Gene: BRCA2 (BRCA2 DNA repair associated; plus strand). Cytogenetic location: 13q13.1.
Variant type: Deletion.
Coding change: c.6914del on transcript NM_000059.4 (MANE Select); coding-DNA position 6914, one base deleted (A; older notation c.6914delA).
Protein change: p.Lys2305fs; shifts the reading frame from lysine 2305.
Molecular consequence: frameshift variant. On other transcripts: non-coding transcript variant (1), intron variant (1).
Genome position (GRCh38, 1-based): chr13:32,344,630, A deleted; the last of 3 consecutive A bases (chr13:32,344,628-32,344,630); deleting any one gives the same sequence. VCF-style (leftmost placement, unchanged base first): chr13-32344627-TA-T. GRCh37 (hg19) VCF-style: chr13-32918764-TA-T.
Other names: c.6914del, p.Lys2305fs (NM_001406720.1, NM_001432077.1); c.1982del, p.Lys661fs (NM_001406721.1); c.497del, p.Lys166fs (NM_001406722.1); c.6842-2197del (NM_001406719.1); short protein forms K166fs, K2305fs, K661fs.
Identifiers: ClinVar variation 4813036 (VCV004813036.1).